The following is an entry in ClinVar:

ClinVar aggregate classification (germline): Uncertain significance (1 of 4 stars; one submission).

Allele frequency attached by ClinVar (database versions not stated): ExAC 0.00001; gnomAD 0.00001; gnomAD exomes 0.00001; TOPMed 0.00001.
gnomAD v4.1: 5 of 1,613,844 alleles (0.00031%); highest among the groups gnomAD compares: Middle Eastern, 0.016%; no homozygotes.

Submission:

Labcorp Genetics (formerly Invitae), Labcorp
Classification: Uncertain significance. Last evaluated: 2021-08-31. Review status: criteria provided, single submitter. Criteria: Invitae Variant Classification Sherloc (09022015). Collection method: clinical testing. Allele origin: germline.
Comment: This sequence change replaces alanine with glycine at codon 461 of the C8B protein (p.Ala461Gly). The alanine residue is weakly conserved and there is a small physicochemical difference between alanine and glycine. This variant is present in population databases (rs757480558, ExAC 0.009%). This variant has not been reported in the literature in individuals affected with C8B-related conditions. Algorithms developed to predict the effect of missense changes on protein structure and function (SIFT, PolyPhen-2, Align-GVGD) all suggest that this variant is likely to be tolerated. In summary, the available evidence is currently insufficient to determine the role of this variant in disease. Therefore, it has been classified as a Variant of Uncertain Significance.

NM_000066.4(C8B):c.1382C>G (p.Ala461Gly)

Gene: C8B (complement C8 beta chain; minus strand). Cytogenetic location: 1p32.2.
Variant type: single nucleotide variant.
Coding change: c.1382C>G on transcript NM_000066.4 (MANE Select); coding-DNA position 1382, C replaced by G.
Protein change: p.Ala461Gly; replaces alanine 461 with glycine.
Molecular consequence: missense variant.
Genome position (GRCh38, 1-based): chr1:56,940,865, G>C on the plus strand (C>G on the coding strand, the complement: C8B is on the minus strand). VCF-style: chr1-56940865-G-C. GRCh37 (hg19) VCF-style: chr1-57406538-G-C.
Other names: c.1226C>G, p.Ala409Gly (NM_001278543.2); c.1196C>G, p.Ala399Gly (NM_001278544.2); short protein forms A409G, A461G, A399G.
Identifiers: ClinVar variation 1406634 (VCV001406634.5), dbSNP rs757480558, ClinGen allele CA875660.